The following is an entry in ClinVar:

NM_018943.3(TUBA8):c.685C>G (p.Arg229Gly)

Gene: TUBA8 (tubulin alpha 8; plus strand). Cytogenetic location: 22q11.21.
Variant type: single nucleotide variant.
Coding change: c.685C>G on transcript NM_018943.3 (MANE Select); coding-DNA position 685, C replaced by G.
Protein change: p.Arg229Gly; replaces arginine 229 with glycine.
Molecular consequence: missense variant.
Genome position (GRCh38, 1-based): chr22:18,126,663, C>G. VCF-style: chr22-18126663-C-G. GRCh37 (hg19) VCF-style: chr22-18609430-C-G.
Other names: c.487C>G, p.Arg163Gly (NM_001193414.2); short protein forms R229G, R163G.
Identifiers: ClinVar variation 2121334 (VCV002121334.4), dbSNP rs368024462, ClinGen allele CA410263625.

ClinVar aggregate classification (germline): Uncertain significance (1 of 4 stars; one submission).

Submission:

Labcorp Genetics (formerly Invitae), Labcorp
Classification: Uncertain significance. Last evaluated: 2022-04-04. Review status: criteria provided, single submitter. Criteria: Invitae Variant Classification Sherloc (09022015). Collection method: clinical testing. Allele origin: germline.
Comment: This variant is not present in population databases (gnomAD no frequency). This variant has not been reported in the literature in individuals affected with TUBA8-related conditions. Algorithms developed to predict the effect of missense changes on protein structure and function are either unavailable or do not agree on the potential impact of this missense change (SIFT: "Deleterious"; PolyPhen-2: "Benign"; Align-GVGD: "Class C65"). In summary, the available evidence is currently insufficient to determine the role of this variant in disease. Therefore, it has been classified as a Variant of Uncertain Significance. This sequence change replaces arginine, which is basic and polar, with glycine, which is neutral and non-polar, at codon 229 of the TUBA8 protein (p.Arg229Gly).